The following is an entry in ClinVar:

NM_001868.4(CPA1):c.886C>T (p.His296Tyr)

Gene: CPA1 (carboxypeptidase A1; plus strand). Cytogenetic location: 7q32.2.
Variant type: single nucleotide variant.
Coding change: c.886C>T on transcript NM_001868.4 (MANE Select); coding-DNA position 886, C replaced by T.
Protein change: p.His296Tyr; replaces histidine 296 with tyrosine.
Molecular consequence: missense variant.
Genome position (GRCh38, 1-based): chr7:130,385,244, C>T. VCF-style: chr7-130385244-C-T. GRCh37 (hg19) VCF-style: chr7-130025085-C-T.
Other names: short protein forms H296Y.
Identifiers: ClinVar variation 1764940 (VCV001764940.3), dbSNP rs145916805, ClinGen allele CA166891257.
Genomic context (GRCh38, chr7:130,385,244, plus strand): 5'-CACGGCAAGTTTGCCAATTCCGAAGTGGAGGTCAAGTCCATTGTAGACTTTGTGAAGGAC[C>T]ATGGGAACATCAAGGCCTTCATCTCCATCCACAGCTACTCCCAGCTCCTCATGTATCCCT-3'
Protein context (NP_001859.1, residues 286-306): VKSIVDFVKD[His296Tyr]GNIKAFISIH

ClinVar aggregate classification (germline): Uncertain significance (1 of 4 stars; one submission).

Conditions:
Hereditary pancreatitis (PCTT). Also called: PRSS1-Related Hereditary Pancreatitis; Hereditary chronic pancreatitis. Identifiers: Orphanet 676, MedGen C0238339, MONDO:0008185, OMIM 167800.

Allele frequency attached by ClinVar (database versions not stated): gnomAD exomes below 0.00001; TOPMed 0.00001; ESP Exome Variant Server 0.00008.

Submission:

Ambry Genetics
Classification: Uncertain significance for Hereditary pancreatitis. Last evaluated: 2024-09-13. Review status: criteria provided, single submitter. Criteria: Ambry Variant Classification Scheme 2023. Collection method: clinical testing. Allele origin: germline.
Comment: The p.H296Y variant (also known as c.886C>T), located in coding exon 8 of the CPA1 gene, results from a C to T substitution at nucleotide position 886. The histidine at codon 296 is replaced by tyrosine, an amino acid with similar properties. This amino acid position is conserved. In addition, the in silico prediction for this alteration is inconclusive. Since supporting evidence is limited at this time, the clinical significance of this alteration remains unclear.